The following is an entry in ClinVar:

NM_001184880.2(PCDH19):c.2561_2563dup (p.Asn854_Ser855insAsn)

Genes: PCDH19 (protocadherin 19; minus strand), LOC125467768 (CDK7 strongly-dependent group 2 enhancer GRCh37_chrX:99657381-99658580; plus strand). Cytogenetic location: Xq22.1.
Variant type: Duplication.
Coding change: c.2561_2563dup on transcript NM_001184880.2 (MANE Select); coding-DNA positions 2561 to 2563, 3 bases duplicated (ACA; older notation c.2561_2563dupACA).
Protein change: p.Asn854_Ser855insAsn.
Genome position (GRCh38, 1-based): chrX:100,402,577-100,402,579, TGT duplicated on the plus strand (ACA on the coding strand, the reverse complement: PCDH19 is on the minus strand); duplicating any 3 consecutive bases within chrX:100,402,577-100,402,581 gives the same sequence; the c. name uses the placement nearest the transcript's 3' end. VCF-style (leftmost placement, unchanged base first): chrX-100402576-C-CTGT. GRCh37 (hg19) VCF-style: chrX-99657574-C-CTGT.
Other names: c.2420_2422dup, p.Asn807_Ser808insAsn (NM_001105243.2, NM_020766.3); c.2561_2563dupACA (NM_001184880.1).
Identifiers: ClinVar variation 3362001 (VCV003362001.4).
Genomic context (GRCh38, chrX:100,402,576, plus strand): 5'-GCACTCACCTCAGGCAGAGGCACACCGTTGATAATCAGGTCAGGCTGCTGGGGCCCCTGG[C>CTGT]TGTTGAAAGAGTGATGGTAGATGTGGTTAGCACTGGTGTTGCGGGTATTCTGGTTCTCCA-3'

ClinVar aggregate classification (germline): Uncertain significance. Review status: criteria provided, multiple submitters, no conflicts (2 of 4 stars). 3 submissions from 3 submitters: Uncertain significance (3). Last evaluated 2025-10-07.

Conditions:
Inborn genetic diseases. Identifiers: MedGen C0950123, MeSH D030342.
Developmental and epileptic encephalopathy, 9 (DEE9). Also called: Early infantile epileptic encephalopathy 9; JUBERG-HELLMAN SYNDROME; EPILEPSY, FEMALE-RESTRICTED, WITH MENTAL RETARDATION; PCDH19-Related X-Linked Female-Limited Epilepsy with Mental Retardation. Identifiers: Orphanet 101039, Orphanet 2076, MedGen C1848137, MONDO:0010246, OMIM 300088. Disease mechanism: loss of function.

Submissions (3):

Ambry Genetics
Classification: Uncertain significance for Inborn genetic diseases. Last evaluated: 2025-10-07. Review status: criteria provided, single submitter. Criteria: Ambry Variant Classification Scheme 2023. Collection method: clinical testing. Allele origin: germline.
Comment: The c.2561_2563dupACA (p.N854dup) alteration is located in exon 3 (coding exon 3) of the PCDH19 gene. The alteration consists of an in-frame duplication of 3 nucleotides from position 2561 to 2563, resulting in the duplication of 1 residue. Based on data from gnomAD, the ACAACA allele has an overall frequency of 0.001% (1/181462) total alleles studied. The highest observed frequency was 0.001% (1/81320) of European (non-Finnish) alleles. Based on insufficient or conflicting evidence, the clinical significance of this alteration remains unclear.

Labcorp Genetics (formerly Invitae), Labcorp
Classification: Uncertain significance for Developmental and epileptic encephalopathy, 9. Last evaluated: 2024-11-21. Review status: criteria provided, single submitter. Criteria: Invitae Variant Classification Sherloc (09022015). Collection method: clinical testing. Allele origin: germline.
Comment: This variant, c.2561_2563dup, results in the insertion of 1 amino acid(s) of the PCDH19 protein (p.Asn854dup), but otherwise preserves the integrity of the reading frame. This variant is present in population databases (no rsID available, gnomAD 0.001%). This variant has not been reported in the literature in individuals affected with PCDH19-related conditions. In summary, the available evidence is currently insufficient to determine the role of this variant in disease. Therefore, it has been classified as a Variant of Uncertain Significance.

GeneDx
Classification: Uncertain significance. Last evaluated: 2023-05-23. Review status: criteria provided, single submitter. Criteria: GeneDx Variant Classification Process June 2021. Collection method: clinical testing. Allele origin: germline. Affected: yes.
Comment: Not observed at significant frequency in large population cohorts (gnomAD); In-frame insertion of 1 amino acid in a non-repeat region; Has not been previously published as pathogenic or benign to our knowledge